The following is an entry in ClinVar:

ClinVar aggregate classification (germline): Likely pathogenic (1 of 4 stars; one submission).

Conditions:
Epidermolysis bullosa simplex 3, localized or generalized intermediate, with BP230 deficiency (EBS3). Also called: Epidermolysis bullosa simplex, autosomal recessive 2; Epidermolysis bullosa simplex due to BP230 deficiency. Identifiers: Orphanet 412181, MedGen C3809470, MONDO:0014180, OMIM 615425.
Hereditary sensory and autonomic neuropathy type 6. Also called: Neuropathy, hereditary sensory and autonomic, type VI; HSAN VI. Identifiers: Orphanet 314381, MedGen C3539003, MONDO:0013839, OMIM 614653.

Submission:

Labcorp Genetics (formerly Invitae), Labcorp
Classification: Likely pathogenic for Epidermolysis bullosa simplex 3, localized or generalized intermediate, with BP230 deficiency; Hereditary sensory and autonomic neuropathy type 6. Last evaluated: 2022-03-29. Review status: criteria provided, single submitter. Criteria: Invitae Variant Classification Sherloc (09022015). Collection method: clinical testing. Allele origin: germline.
Comment: This variant is not present in population databases (gnomAD no frequency). In summary, the currently available evidence indicates that the variant is pathogenic, but additional data are needed to prove that conclusively. Therefore, this variant has been classified as Likely Pathogenic. Algorithms developed to predict the effect of sequence changes on RNA splicing suggest that this variant may disrupt the consensus splice site. This variant has not been reported in the literature in individuals affected with DST-related conditions. This sequence change affects a donor splice site in intron 5 of the DST gene. It is expected to disrupt RNA splicing. Variants that disrupt the donor or acceptor splice site typically lead to a loss of protein function (PMID: 16199547), and loss-of-function variants in DST are known to be pathogenic (PMID: 22522446, 25059916, 30371979).

Literature cited by the submitters: PubMed 16199547; PubMed 22522446; PubMed 25059916; PubMed 30371979.

NM_001374736.1(DST):c.2619+1G>A

Gene: DST (dystonin; minus strand). Cytogenetic location: 6p12.1.
Variant type: single nucleotide variant.
Coding change: c.2619+1G>A on transcript NM_001374736.1 (MANE Select); the canonical splice donor site of the intron after coding-DNA position 2619, G replaced by A.
Molecular consequence: splice donor variant.
Genome position (GRCh38, 1-based): chr6:56,639,928, C>T on the plus strand (G>A on the coding strand, the complement: DST is on the minus strand). VCF-style: chr6-56639928-C-T. GRCh37 (hg19) VCF-style: chr6-56504726-C-T.
Other names: c.2520+1G>A (NM_001144769.5); c.2619+1G>A (NM_001374722.1); c.2646+1G>A (NM_001374734.1); c.2106+1G>A (NM_001144770.2); c.1986+1G>A (NM_001374730.1, NM_001386100.1, NM_183380.4 and 1 more transcripts); c.1008+1G>A (NM_015548.5, NM_001723.7).
Identifiers: ClinVar variation 2119205 (VCV002119205.4), dbSNP rs2537162620, ClinGen allele CA364577896.